The following is an entry in ClinVar:

ClinVar aggregate classification (germline): Likely benign (0 of 4 stars; one submission).

Conditions:
TRMT1-related disorder. Also called: TRMT1-related condition.

Allele frequency attached by ClinVar (database versions not stated): ExAC 0.00006; gnomAD exomes 0.00006; TOPMed 0.00007; gnomAD 0.00011.
gnomAD v4.1: 105 of 1,613,626 alleles (0.0065%); highest among the groups gnomAD compares: Non-Finnish European, 0.0087%; 1 homozygote.

Submission:

PreventionGenetics, part of Exact Sciences
Classification: Likely benign for TRMT1-related condition. Last evaluated: 2019-04-10. Review status: no assertion criteria provided. Collection method: clinical testing. Allele origin: germline.
Comment: This variant is classified as likely benign based on ACMG/AMP sequence variant interpretation guidelines (Richards et al. 2015 PMID: 25741868, with internal and published modifications).

NM_001136035.4(TRMT1):c.1338C>T (p.Tyr446=)

Gene: TRMT1 (tRNA methyltransferase 1; minus strand). Cytogenetic location: 19p13.13.
Variant type: single nucleotide variant.
Coding change: c.1338C>T on transcript NM_001136035.4 (MANE Select); coding-DNA position 1338, C replaced by T.
Protein change: p.Tyr446=; no amino-acid change (tyrosine 446 retained).
Molecular consequence: synonymous variant.
Genome position (GRCh38, 1-based): chr19:13,109,440, G>A on the plus strand (C>T on the coding strand, the complement: TRMT1 is on the minus strand). VCF-style: chr19-13109440-G-A. GRCh37 (hg19) VCF-style: chr19-13220254-G-A.
Other names: c.1251C>T, p.Tyr417= (NM_001142554.3, NM_001351760.2); c.1230C>T, p.Tyr410= (NM_001351761.2); c.555C>T, p.Tyr185= (NM_001351762.2); c.1338C>T, p.Tyr446= (NM_017722.5).
Identifiers: ClinVar variation 3047428 (VCV003047428.2), dbSNP rs757029217, ClinGen allele CA9237662.
Genomic context (GRCh38, chr19:13,109,440, plus strand): 5'-CCGCAACTGCAGGAGGCTTGGTGTGTTGCAGTGGATGGTGCTGCTCAGCTGGTCCAGGGT[G>A]TAGTACAGAGGCACGTCCGGGAGCTCCTGCGATGGGGGACAGGATGGGCATGAGTGGAGA-3'
Protein context (NP_001129507.1, residues 436-456): TEELPDVPLY[Tyr446=]TLDQLSSTIH